The following is an entry in ClinVar:

ClinVar aggregate classification (germline): Uncertain significance. Review status: criteria provided, multiple submitters, no conflicts (2 of 4 stars). 2 submissions from 2 submitters: Uncertain significance (2). Last evaluated 2026-05-18.

Conditions:
CLDN9-related disorder. Also called: CLDN9-related condition.

Allele frequency attached by ClinVar (database versions not stated): ESP Exome Variant Server 0.00008; 1000 Genomes Project 0.00020; 1000 Genomes Project 30x 0.00031.
gnomAD v4.1: 240 of 1,613,710 alleles (0.015%); highest among the groups gnomAD compares: Non-Finnish European, 0.019%; no homozygotes.

Submissions (2):

PreventionGenetics, part of Exact Sciences
Classification: Uncertain significance for CLDN9-related condition. Last evaluated: 2026-05-18. Review status: criteria provided, single submitter. Criteria: ACMG Guidelines, 2015. Collection method: clinical testing. Allele origin: germline.
Comment: The CLDN9 c.347G>A variant is predicted to result in the amino acid substitution p.Arg116His. To our knowledge, this variant has not been reported in the literature. This variant is reported in 0.017% of alleles in individuals of European (Non-Finnish) descent in gnomAD. At this time, the clinical significance of this variant is uncertain due to the absence of conclusive functional and genetic evidence.

Ambry Genetics
Classification: Uncertain significance. Last evaluated: 2025-06-11. Review status: criteria provided, single submitter. Criteria: Ambry Variant Classification Scheme 2023. Collection method: clinical testing. Allele origin: germline.

NM_020982.4(CLDN9):c.347G>A (p.Arg116His)

Gene: CLDN9 (claudin 9; plus strand). Cytogenetic location: 16p13.3.
Variant type: single nucleotide variant.
Coding change: c.347G>A on transcript NM_020982.4 (MANE Select); coding-DNA position 347, G replaced by A.
Protein change: p.Arg116His; replaces arginine 116 with histidine.
Molecular consequence: missense variant.
Genome position (GRCh38, 1-based): chr16:3,013,709, G>A. VCF-style: chr16-3013709-G-A. GRCh37 (hg19) VCF-style: chr16-3063710-G-A.
Other names: short protein forms R116H.
Identifiers: ClinVar variation 2458524 (VCV002458524.4), dbSNP rs377171800, ClinGen allele CA7854045.
Genomic context (GRCh38, chr16:3,013,709, plus strand): 5'-TGGTGGCCATCACAGGTGCCCAGTGTACCACGTGTGTGGAGGACGAAGGTGCCAAGGCCC[G>A]TATCGTGCTCACCGCGGGGGTCATCCTCCTCCTCGCCGGCATCCTGGTGCTCATCCCTGT-3'
Protein context (NP_066192.1, residues 106-126): TCVEDEGAKA[Arg116His]IVLTAGVILL